The following is an entry in ClinVar:

NM_003632.3(CNTNAP1):c.1105C>T (p.His369Tyr)

Gene: CNTNAP1 (contactin associated protein 1; plus strand). Cytogenetic location: 17q21.2.
Variant type: single nucleotide variant.
Coding change: c.1105C>T on transcript NM_003632.3 (MANE Select); coding-DNA position 1105, C replaced by T.
Protein change: p.His369Tyr; replaces histidine 369 with tyrosine.
Molecular consequence: missense variant.
Genome position (GRCh38, 1-based): chr17:42,687,780, C>T. VCF-style: chr17-42687780-C-T. GRCh37 (hg19) VCF-style: chr17-40839798-C-T.
Other names: short protein forms H369Y.
Identifiers: ClinVar variation 1971372 (VCV001971372.3), dbSNP rs758968614, ClinGen allele CA8581712.
Genomic context (GRCh38, chr17:42,687,780, plus strand): 5'-GGTAAGGTGGCTTTTCGTTGCCTGGACCCGGTACCGCACCCTATCAACTTCGGAGGCCCT[C>T]ACAACTTCGTTCAAGTGCCCGGTTTCCCACGCCGTGGCCGCCTGGCAGTCTCATTTCGCT-3'
Protein context (NP_003623.1, residues 359-379): VPHPINFGGP[His369Tyr]NFVQVPGFPR

ClinVar aggregate classification (germline): Uncertain significance (1 of 4 stars; one submission).

Allele frequency attached by ClinVar (database versions not stated): gnomAD exomes below 0.00001; ExAC 0.00001.
gnomAD v4.1: 3 of 1,614,226 alleles (0.00019%); highest among the groups gnomAD compares: Admixed American, 0.0033%; no homozygotes.

Submission:

Labcorp Genetics (formerly Invitae), Labcorp
Classification: Uncertain significance. Last evaluated: 2022-07-19. Review status: criteria provided, single submitter. Criteria: Invitae Variant Classification Sherloc (09022015). Collection method: clinical testing. Allele origin: germline.
Comment: Algorithms developed to predict the effect of missense changes on protein structure and function are either unavailable or do not agree on the potential impact of this missense change (SIFT: "Deleterious"; PolyPhen-2: "Benign"; Align-GVGD: "Class C0"). This variant has not been reported in the literature in individuals affected with CNTNAP1-related conditions. This variant is present in population databases (rs758968614, gnomAD 0.003%). This sequence change replaces histidine, which is basic and polar, with tyrosine, which is neutral and polar, at codon 369 of the CNTNAP1 protein (p.His369Tyr). In summary, the available evidence is currently insufficient to determine the role of this variant in disease. Therefore, it has been classified as a Variant of Uncertain Significance.